The following is an entry in ClinVar:

ClinVar aggregate classification (germline): Uncertain significance (1 of 4 stars; one submission).

Submission:

GeneDx
Classification: Uncertain significance. Last evaluated: 2026-02-13. Review status: criteria provided, single submitter. Criteria: GeneDx Variant Classification Process June 2021. Collection method: clinical testing. Allele origin: germline.
Comment: Not observed at significant frequency in large population cohorts (gnomAD); In silico analysis suggests that this missense variant does not alter protein structure/function; Has not been previously published as pathogenic or benign to our knowledge

NM_032119.4(ADGRV1):c.17311A>G (p.Ile5771Val)

Gene: ADGRV1 (adhesion G protein-coupled receptor V1; plus strand). Cytogenetic location: 5q14.3.
Variant type: single nucleotide variant.
Coding change: c.17311A>G on transcript NM_032119.4 (MANE Select); coding-DNA position 17311, A replaced by G.
Protein change: p.Ile5771Val; replaces isoleucine 5771 with valine.
Molecular consequence: missense variant. On other transcripts: non-coding transcript variant (1).
Genome position (GRCh38, 1-based): chr5:90,853,390, A>G. VCF-style: chr5-90853390-A-G. GRCh37 (hg19) VCF-style: chr5-90149207-A-G.
Other names: short protein forms I5771V.
Identifiers: ClinVar variation 5008571 (VCV005008571.1).
Genomic context (GRCh38, chr5:90,853,390, plus strand): 5'-CTTCACTGGTATCCTCAGCAAATCAATGGACACAAGTTTGAAGGAAAGGAAGGAGATTAC[A>G]TTCGAATTCCAGAGAGGCTACTGGATGTCCAGGATGCAGAAATAATGGCTGGGAAAAGTA-3'
Protein context (NP_115495.3, residues 5761-5781): HKFEGKEGDY[Ile5771Val]RIPERLLDVQ